The following is an entry in ClinVar:

NM_001943.5(DSG2):c.46-2A>C

Gene: DSG2 (desmoglein 2; plus strand). Cytogenetic location: 18q12.1.
Variant type: single nucleotide variant.
Coding change: c.46-2A>C on transcript NM_001943.5 (MANE Select); the canonical splice acceptor site of the intron before coding-DNA position 46, A replaced by C.
Molecular consequence: splice acceptor variant.
Genome position (GRCh38, 1-based): chr18:31,518,237, A>C. VCF-style: chr18-31518237-A-C. GRCh37 (hg19) VCF-style: chr18-29098200-A-C.
Other names: NC_000018.9:g.29098200A>C; c.46-2A>C (NM_001943.3).
Identifiers: ClinVar variation 4281146 (VCV004281146.10).

ClinVar aggregate classification (germline): Uncertain significance. Review status: criteria provided, multiple submitters, no conflicts (2 of 4 stars). 3 submissions from 3 submitters: Uncertain significance (3). Last evaluated 2025-11-20.

Conditions:
Cardiovascular phenotype. Identifiers: MedGen CN230736.

gnomAD v4.1: 1 of 1,611,616 alleles (0.000062%); highest among the groups gnomAD compares: Non-Finnish European, 0.000085%; no homozygotes.

Submissions (4):

Dasa
Classification: Uncertain significance. Last evaluated: 2025-11-20. Review status: criteria provided, single submitter. Criteria: DASA Assertion Criteria. Collection method: clinical testing. Allele origin: germline.
Comment: NM_001943.5(DSG2):c.46-2A>C affects a canonical splice site and is predicted to disrupt normal RNA splicing. This variant is rare in population databases. The currently available literature and clinical evidence are not sufficient to establish a definitive association between this variant and the reported condition. Therefore, this variant is classified as a variant of uncertain significance.

Ambry Genetics
Classification: Uncertain significance for Cardiovascular phenotype. Last evaluated: 2025-09-15. Review status: criteria provided, single submitter. Criteria: Ambry Variant Classification Scheme 2023. Collection method: clinical testing. Allele origin: germline.
Comment: The c.46-2A>C intronic variant results from an A to C substitution two nucleotides upstream from coding exon 2 in the DSG2 gene. Alterations that disrupt the canonical splice site are expected to result in aberrant splicing. In silico splice site analysis predicts that this alteration will weaken the native splice acceptor site. A resulting transcript is predicted to be in-frame and is not expected to trigger nonsense-mediated mRNAdecay; although, direct evidence is unavailable. This nucleotide position is highly conserved in available vertebrate species. Based on the available evidence, the clinical significance of this variant remains unclear.

CeGaT Center for Human Genetics Tuebingen
Classification: Uncertain significance. Last evaluated: 2025-09-01. Review status: criteria provided, single submitter. Criteria: CeGaT Center For Human Genetics Tuebingen Variant Classification Criteria Version 2. Collection method: clinical testing. Allele origin: germline. Affected: yes. Observed: 1 variant allele.
Comment: DSG2: PM2, PVS1:Moderate

Dr. Peter K. Rogan Lab, Western University
No classification provided (evidence only). Condition: Thyroid cancer, nonmedullary, 1. Review status: no classification provided. Collection method: in vitro. Allele origin: not applicable. Functional consequence: retained intron. Not counted in ClinVar's aggregate classification.